The following is an entry in ClinVar:

ClinVar aggregate classification (germline): Pathogenic (1 of 4 stars; one submission).

Allele frequency attached by ClinVar (database versions not stated): gnomAD 0.00006; TOPMed 0.00002.

Submission:

Labcorp Genetics (formerly Invitae), Labcorp
Classification: Pathogenic. Last evaluated: 2025-09-28. Review status: criteria provided, single submitter. Criteria: Invitae Variant Classification Sherloc (09022015). Collection method: clinical testing. Allele origin: germline.
Comment: This sequence change creates a premature translational stop signal (p.Trp612*) in the WFS1 gene. While this is not anticipated to result in nonsense mediated decay, it is expected to disrupt the last 279 amino acid(s) of the WFS1 protein. This variant is present in population databases (no rsID available, gnomAD 0.01%). This variant has not been reported in the literature in individuals affected with WFS1-related conditions. ClinVar contains an entry for this variant (Variation ID: 631948). This variant disrupts a region of the WFS1 protein in which other variant(s) (p.Pro885Leu) have been determined to be pathogenic (PMID: 10521293, 16806192, 28432734). This suggests that this is a clinically significant region of the protein, and that variants that disrupt it are likely to be disease-causing. For these reasons, this variant has been classified as Pathogenic.

Literature cited by the submitters: PubMed 10521293; PubMed 16806192; PubMed 28432734.

NM_006005.3(WFS1):c.1836G>A (p.Trp612Ter)

Gene: WFS1 (wolframin ER transmembrane glycoprotein; plus strand). Cytogenetic location: 4p16.1.
Variant type: single nucleotide variant.
Coding change: c.1836G>A on transcript NM_006005.3 (MANE Select); coding-DNA position 1836, G replaced by A.
Protein change: p.Trp612Ter; replaces tryptophan 612 with a stop codon.
Molecular consequence: nonsense.
Genome position (GRCh38, 1-based): chr4:6,301,631, G>A. VCF-style: chr4-6301631-G-A. GRCh37 (hg19) VCF-style: chr4-6303358-G-A.
Other names: c.1836G>A, p.Trp612Ter (NM_001145853.1); short protein forms W612*.
Identifiers: ClinVar variation 631948 (VCV000631948.7), dbSNP rs775158434, ClinGen allele CA91796630.